The following is an entry in ClinVar:

NM_021930.6(RINT1):c.2239C>G (p.Leu747Val)

Genes: EFCAB10 (EF-hand calcium binding domain 10; minus strand), RINT1 (RAD50 interactor 1; plus strand). Cytogenetic location: 7q22.3.
Variant type: single nucleotide variant.
Coding change: c.2239C>G on transcript NM_021930.6 (MANE Select); coding-DNA position 2239, C replaced by G.
Protein change: p.Leu747Val; replaces leucine 747 with valine.
Molecular consequence: missense variant. On other transcripts: 3 prime UTR variant (2), non-coding transcript variant (1), intron variant (3).
Genome position (GRCh38, 1-based): chr7:105,567,171, C>G. VCF-style: chr7-105567171-C-G. GRCh37 (hg19) VCF-style: chr7-105207618-C-G.
Other names: c.*283G>C (NM_001355527.2, NM_001355529.2); c.2005C>G, p.Leu669Val (NM_001346599.2); c.1216C>G, p.Leu406Val (NM_001346600.2, NM_001346603.2); c.1315C>G, p.Leu439Val (NM_001346601.2); c.360-1724G>C (NM_001355531.2); c.383+296G>C (NM_001355526.2, NM_001355530.2); short protein forms L439V, L747V, L669V, L406V.
Identifiers: ClinVar variation 2447196 (VCV002447196.3), dbSNP rs146607996, ClinGen allele CA164069126.
Genomic context (GRCh38, chr7:105,567,171, plus strand): 5'-CTAAACAGTATAAAAGAAGCCTGTATTGTTTTGAATTTGAACGTCGGTTCTGCACTACTG[C>G]TGAAAGATGTACTGCAGTCAGCTTCAGGGCAGCTTCCTGCCACAGCAGCATTAAATGAAG-3'
Protein context (NP_068749.3, residues 737-757): LNLNVGSALL[Leu747Val]KDVLQSASGQ

ClinVar aggregate classification (germline): Uncertain significance (1 of 4 stars; one submission).

Allele frequency attached by ClinVar (database versions not stated): gnomAD 0.00001; TOPMed 0.00001; ESP Exome Variant Server 0.00008.
gnomAD v4.1: 2 of 1,606,150 alleles (0.00012%); highest among the groups gnomAD compares: African/African-American, 0.0027%; no homozygotes.

Submission:

Ambry Genetics
Classification: Uncertain significance. Last evaluated: 2025-04-18. Review status: criteria provided, single submitter. Criteria: Ambry Variant Classification Scheme 2023. Collection method: clinical testing. Allele origin: germline.
Comment: The p.L747V variant (also known as c.2239C>G), located in coding exon 15 of the RINT1 gene, results from a C to G substitution at nucleotide position 2239. The leucine at codon 747 is replaced by valine, an amino acid with highly similar properties. This amino acid position is conserved. In addition, the in silico prediction for this alteration is inconclusive. Since supporting evidence is limited at this time, the clinical significance of this alteration remains unclear.